The following is an entry in ClinVar:

NM_000565.4(IL6R):c.898C>G (p.Gln300Glu)

Gene: IL6R (interleukin 6 receptor; plus strand). Cytogenetic location: 1q21.3.
Variant type: single nucleotide variant.
Coding change: c.898C>G on transcript NM_000565.4 (MANE Select); coding-DNA position 898, C replaced by G.
Protein change: p.Gln300Glu; replaces glutamine 300 with glutamic acid.
Molecular consequence: missense variant.
Genome position (GRCh38, 1-based): chr1:154,436,059, C>G. VCF-style: chr1-154436059-C-G. GRCh37 (hg19) VCF-style: chr1-154408535-C-G.
Other names: c.898C>G, p.Gln300Glu (NM_001206866.2, NM_001382769.1, NM_001382770.1 and 3 more transcripts); c.892C>G, p.Gln298Glu (NM_001382772.1); c.538C>G, p.Gln180Glu (NM_001382774.1); c.898C>G (NM_000565.3); short protein forms Q298E, Q180E, Q300E.
Identifiers: ClinVar variation 1444191 (VCV001444191.6), dbSNP rs147222925, ClinGen allele CA1129162.

ClinVar aggregate classification (germline): Uncertain significance. Review status: criteria provided, multiple submitters, no conflicts (2 of 4 stars). 2 submissions from 2 submitters: Uncertain significance (2). Last evaluated 2024-03-28.

Allele frequency attached by ClinVar (database versions not stated): gnomAD exomes 0.00001 and 0.00004; ExAC 0.00004; gnomAD 0.00009; TOPMed 0.00012; ESP Exome Variant Server 0.00015; 1000 Genomes Project 0.00020; 1000 Genomes Project 30x 0.00047.
gnomAD v4.1: 40 of 1,613,184 alleles (0.0025%); highest among the groups gnomAD compares: African/African-American, 0.036%; no homozygotes.

Submissions (2):

Ambry Genetics
Classification: Uncertain significance. Last evaluated: 2024-03-28. Review status: criteria provided, single submitter. Criteria: Ambry Variant Classification Scheme 2023. Collection method: clinical testing. Allele origin: germline.

Labcorp Genetics (formerly Invitae), Labcorp
Classification: Uncertain significance. Last evaluated: 2022-02-05. Review status: criteria provided, single submitter. Criteria: Invitae Variant Classification Sherloc (09022015). Collection method: clinical testing. Allele origin: germline.
Comment: This sequence change replaces glutamine, which is neutral and polar, with glutamic acid, which is acidic and polar, at codon 300 of the IL6R protein (p.Gln300Glu). This variant is present in population databases (rs147222925, gnomAD 0.03%). This variant has not been reported in the literature in individuals affected with IL6R-related conditions. Algorithms developed to predict the effect of missense changes on protein structure and function (SIFT, PolyPhen-2, Align-GVGD) all suggest that this variant is likely to be tolerated. In summary, the available evidence is currently insufficient to determine the role of this variant in disease. Therefore, it has been classified as a Variant of Uncertain Significance.